The following is an entry in ClinVar:

ClinVar aggregate classification (germline): Uncertain significance (1 of 4 stars; one submission).

Submission:

Dasa
Classification: Uncertain significance. Last evaluated: 2026-04-06. Review status: criteria provided, single submitter. Criteria: DASA Assertion Criteria. Collection method: clinical testing. Allele origin: germline.
Comment: NM_016333.4(SRRM2):c.4135T>C (p.Ser1379Pro) is a missense variant that results in the substitution of serine with proline. This variant is absent from population databases. The currently available literature and clinical evidence are not sufficient to establish a definitive association between this variant and the reported condition. Therefore, this variant is classified as a variant of uncertain significance.

NM_016333.4(SRRM2):c.4135T>C (p.Ser1379Pro)

Gene: SRRM2 (serine/arginine repetitive matrix 2; plus strand). Cytogenetic location: 16p13.3.
Variant type: single nucleotide variant.
Coding change: c.4135T>C on transcript NM_016333.4 (MANE Select); coding-DNA position 4135, T replaced by C.
Protein change: p.Ser1379Pro; replaces serine 1379 with proline.
Molecular consequence: missense variant.
Genome position (GRCh38, 1-based): chr16:2,764,663, T>C. VCF-style: chr16-2764663-T-C. GRCh37 (hg19) VCF-style: chr16-2814664-T-C.
Other names: short protein forms S1379P.
Identifiers: ClinVar variation 4883240 (VCV004883240.2).